The following is an entry in ClinVar:

ClinVar aggregate classification (germline): Uncertain significance (1 of 4 stars; one submission).

Submission:

Clinical Genomics Laboratory, Laboratory for Precision Diagnostics, University of Washington
Classification: Uncertain significance. Last evaluated: 2017-10-02. Review status: criteria provided, single submitter. Criteria: Clinical Cytogenomics Laboratory Policy on CNV Interpretation. Collection method: clinical testing. Allele origin: unknown. Affected: yes. Observed: 1 variant allele.

GRCh37/hg19 20p13(chr20:406876-802123)x3

Genes: CSNK2A1 (casein kinase 2 alpha 1; minus strand), RBCK1 (RANBP2-type and C3HC4-type zinc finger containing 1; plus strand), SCRT2 (scratch family transcriptional repressor 2; minus strand), SLC52A3 (solute carrier family 52 member 3; minus strand), SRXN1 (sulfiredoxin 1; minus strand) and 2 more. Cytogenetic location: 20p13.
Variant type: copy number gain.
Change: copy number 3 (three copies instead of two) of chr20:406,876-802,123 (395.2 kb, GRCh37 coordinates, 1-based), cytogenetic band 20p13.
Identifiers: ClinVar variation 548965 (VCV000548965.3).